The following is an entry in ClinVar:

ClinVar aggregate classification (germline): Uncertain significance. Review status: criteria provided, multiple submitters, no conflicts (2 of 4 stars). 2 submissions from 2 submitters: Uncertain significance (2). Last evaluated 2024-04-25.

Conditions:
Gastrointestinal stromal tumor. Also called: Gastrointestinal stromal tumor, somatic; Gastrointestinal stroma tumor. Identifiers: Orphanet 44890, MedGen C0238198, MeSH D046152, MONDO:0011719, OMIM 606764, HP:0100723.
Hereditary cancer-predisposing syndrome. Also called: Neoplastic Syndromes, Hereditary; Tumor predisposition; Hereditary Cancer Syndrome; Hereditary neoplastic syndrome. Identifiers: Orphanet 140162, MedGen C0027672, MeSH D009386, MONDO:0015356.

Submissions (2):

Labcorp Genetics (formerly Invitae), Labcorp
Classification: Uncertain significance for Gastrointestinal stromal tumor. Last evaluated: 2024-04-25. Review status: criteria provided, single submitter. Criteria: Invitae Variant Classification Sherloc (09022015). Collection method: clinical testing. Allele origin: germline.
Comment: This sequence change replaces glycine, which is neutral and non-polar, with alanine, which is neutral and non-polar, at codon 990 of the PDGFRA protein (p.Gly990Ala). This variant is not present in population databases (gnomAD no frequency). This variant has not been reported in the literature in individuals affected with PDGFRA-related conditions. ClinVar contains an entry for this variant (Variation ID: 852980). Advanced modeling of protein sequence and biophysical properties (such as structural, functional, and spatial information, amino acid conservation, physicochemical variation, residue mobility, and thermodynamic stability) performed at Invitae indicates that this missense variant is not expected to disrupt PDGFRA protein function with a negative predictive value of 80%. In summary, the available evidence is currently insufficient to determine the role of this variant in disease. Therefore, it has been classified as a Variant of Uncertain Significance.

Ambry Genetics
Classification: Uncertain significance for Hereditary cancer-predisposing syndrome. Last evaluated: 2024-03-13. Review status: criteria provided, single submitter. Criteria: Ambry Variant Classification Scheme 2023. Collection method: clinical testing. Allele origin: germline.
Comment: The p.G990A variant (also known as c.2969G>C), located in coding exon 21 of the PDGFRA gene, results from a G to C substitution at nucleotide position 2969. The glycine at codon 990 is replaced by alanine, an amino acid with similar properties. This amino acid position is conserved. In addition, this alteration is predicted to be tolerated by in silico analysis. Based on the available evidence, the clinical significance of this alteration remains unclear.

NM_006206.6(PDGFRA):c.2969G>C (p.Gly990Ala)

Gene: PDGFRA (platelet derived growth factor receptor alpha; plus strand). Cytogenetic location: 4q12.
Variant type: single nucleotide variant.
Coding change: c.2969G>C on transcript NM_006206.6 (MANE Select); coding-DNA position 2969, G replaced by C.
Protein change: p.Gly990Ala; replaces glycine 990 with alanine.
Molecular consequence: missense variant.
Genome position (GRCh38, 1-based): chr4:54,290,401, G>C. VCF-style: chr4-54290401-G-C. GRCh37 (hg19) VCF-style: chr4-55156568-G-C.
Other names: c.3044G>C, p.Gly1015Ala (NM_001347828.2); c.2969G>C, p.Gly990Ala (NM_001347829.2); c.3008G>C, p.Gly1003Ala (NM_001347830.2); short protein forms G1015A, G990A, G1003A.
Identifiers: ClinVar variation 852980 (VCV000852980.9), dbSNP rs1724567367, ClinGen allele CA356896093.